The following is an entry in ClinVar:

ClinVar aggregate classification (germline): Uncertain significance. Review status: criteria provided, single submitter (1 of 4 stars). 2 submissions from 2 submitters: Uncertain significance (1). 1 of the submissions does not count toward it. Last evaluated 2024-05-24.

Conditions:
Cystic fibrosis (CF). Also called: MUCOVISCIDOSIS. Identifiers: Orphanet 586, MedGen C0010674, MONDO:0009061, OMIM 219700. Disease mechanism: loss of function.
CFTR-related disorder (CFTR-RD). Also called: CFTR-related disorders; CFTR-related condition. Identifiers: MedGen C5924204, MONDO:7770004.

gnomAD v4.1: 1 of 1,611,394 alleles (0.000062%); highest among the groups gnomAD compares: African/African-American, 0.0013%; no homozygotes.

Submissions (2):

Ambry Genetics
Classification: Uncertain significance for Cystic fibrosis. Last evaluated: 2024-05-24. Review status: criteria provided, single submitter. Criteria: Ambry Variant Classification Scheme 2023. Collection method: clinical testing. Allele origin: germline.
Comment: The p.F1116L variant (also known as c.3348C>G), located in coding exon 20 of the CFTR gene, results from a C to G substitution at nucleotide position 3348. The phenylalanine at codon 1116 is replaced by leucine, an amino acid with highly similar properties. This amino acid position is conserved. In addition, this alteration is predicted to be deleterious by in silico analysis. Based on the available evidence, the clinical significance of this variant remains unclear.

Natera, Inc.
Classification: Uncertain significance for CFTR-related disorders. Last evaluated: 2025-02-25. Review status: no assertion criteria provided. Collection method: clinical testing. Allele origin: germline. Not counted in ClinVar's aggregate classification.

NM_000492.4(CFTR):c.3348C>G (p.Phe1116Leu)

Genes: CFTR (CF transmembrane conductance regulator; plus strand), CFTR-AS2 (CFTR antisense RNA 2; minus strand), LOC111674472 (DNase I hypersensitive sites in introns 16 and 17a of CFTR; plus strand). Cytogenetic location: 7q31.2.
Variant type: single nucleotide variant.
Coding change: c.3348C>G on transcript NM_000492.4 (MANE Select); coding-DNA position 3348, C replaced by G.
Protein change: p.Phe1116Leu; replaces phenylalanine 1116 with leucine.
Molecular consequence: missense variant.
Genome position (GRCh38, 1-based): chr7:117,611,789, C>G. VCF-style: chr7-117611789-C-G. GRCh37 (hg19) VCF-style: chr7-117251843-C-G.
Other names: short protein forms F1116L.
Identifiers: ClinVar variation 3266632 (VCV003266632.2).